The following is an entry in ClinVar:

NM_000038.6(APC):c.7012CCT[1] (p.Pro2339del)

Gene: APC (APC regulator of Wnt signaling pathway; plus strand). Cytogenetic location: 5q22.2.
Variant type: Microsatellite.
Coding change: c.7012CCT[1] on transcript NM_000038.6 (MANE Select); one copy of the 3-base unit CCT starting at c.7012; the reference has two copies in a row; one copy, 3 bases deleted; also written c.7015_7017del.
Protein change: p.Pro2339del; deletes proline 2339.
Molecular consequence: inframe deletion.
Genome position (GRCh38, 1-based): chr5:112,842,609-112,842,611, CCT deleted; deleting any 3 consecutive bases within chr5:112,842,605-112,842,611 gives the same sequence; the position shown is the placement nearest the transcript's 3' end. VCF-style (leftmost placement, unchanged base first): chr5-112842604-GTCC-G. GRCh37 (hg19) VCF-style: chr5-112178301-GTCC-G.
Other names: c.7012CCT[1], p.Pro2339del (NM_001127510.3, NM_001354895.2); c.6958CCT[1], p.Pro2321del (NM_001127511.3); c.7066CCT[1], p.Pro2357del (NM_001354896.2); c.7042CCT[1], p.Pro2349del (NM_001354897.2); c.6937CCT[1], p.Pro2314del (NM_001354898.2); c.6928CCT[1], p.Pro2311del (NM_001354899.2); c.6889CCT[1], p.Pro2298del (NM_001354900.2); c.6835CCT[1], p.Pro2280del (NM_001354901.2); and 6 more; short protein forms P2321del, P2339del, P2248del, P2280del, P2357del, P2056del, P2238del, P2298del.
Identifiers: ClinVar variation 482486 (VCV000482486.14), dbSNP rs1554087906, ClinGen allele CA658656002.

ClinVar aggregate classification (germline): Uncertain significance. Review status: criteria provided, multiple submitters, no conflicts (2 of 4 stars). 3 submissions from 3 submitters: Uncertain significance (3). Last evaluated 2025-04-03.

Conditions:
Hereditary cancer-predisposing syndrome. Also called: Neoplastic Syndromes, Hereditary; Tumor predisposition; Hereditary Cancer Syndrome; Hereditary neoplastic syndrome. Identifiers: Orphanet 140162, MedGen C0027672, MeSH D009386, MONDO:0015356.
Familial adenomatous polyposis 1 (FAP1). Also called: FAMILIAL ADENOMATOUS POLYPOSIS 1, ATTENUATED; POLYPOSIS, ADENOMATOUS INTESTINAL. Identifiers: MedGen C2713442, MONDO:0021056, OMIM 175100. Disease mechanism: loss of function.

Submissions (3):

Labcorp Genetics (formerly Invitae), Labcorp
Classification: Uncertain significance for Familial adenomatous polyposis 1. Last evaluated: 2025-04-03. Review status: criteria provided, single submitter. Criteria: Invitae Variant Classification Sherloc (09022015). Collection method: clinical testing. Allele origin: germline.
Comment: This variant, c.7015_7017del, results in the deletion of 1 amino acid(s) of the APC protein (p.Pro2339del), but otherwise preserves the integrity of the reading frame. This variant is not present in population databases (gnomAD no frequency). This variant has not been reported in the literature in individuals affected with APC-related conditions. ClinVar contains an entry for this variant (Variation ID: 482486). Experimental studies and prediction algorithms are not available or were not evaluated, and the functional significance of this variant is currently unknown. In summary, the available evidence is currently insufficient to determine the role of this variant in disease. Therefore, it has been classified as a Variant of Uncertain Significance.

Ambry Genetics
Classification: Uncertain significance for Hereditary cancer-predisposing syndrome. Last evaluated: 2024-12-10. Review status: criteria provided, single submitter. Criteria: Ambry Variant Classification Scheme 2023. Collection method: clinical testing. Allele origin: germline.
Comment: The c.7015_7017delCCT variant (also known as p.P2339del) is located in coding exon 15 of the APC gene. This variant results from an in-frame CCT deletion at nucleotide positions 7015 to 7017. This results in the in-frame deletion of a proline at codon 2339. This amino acid position is well conserved in available vertebrate species. In addition, this alteration is predicted to be neutral by in silico analysis (Choi Y et al. PLoS ONE. 2012; 7(10):e46688). Since supporting evidence is limited at this time, the clinical significance of this alteration remains unclear.

Color Diagnostics, LLC DBA Color Health
Classification: Uncertain significance for Hereditary cancer-predisposing syndrome. Last evaluated: 2018-12-19. Review status: criteria provided, single submitter. Criteria: ACMG Guidelines, 2015. Collection method: clinical testing. Allele origin: germline.